The following is an entry in ClinVar:

ClinVar aggregate classification (germline): Likely benign (1 of 4 stars; one submission).

Submission:

CeGaT Center for Human Genetics Tuebingen
Classification: Likely benign. Last evaluated: 2024-03-01. Review status: criteria provided, single submitter. Criteria: CeGaT Center For Human Genetics Tuebingen Variant Classification Criteria Version 2. Collection method: clinical testing. Allele origin: germline. Affected: yes. Observed: 1 variant allele.
Comment: BPTF: PM2:Supporting, BP4, BP7

NM_182641.4(BPTF):c.321C>G (p.Gly107=)

Gene: BPTF (bromodomain PHD finger transcription factor; plus strand). Cytogenetic location: 17q24.2.
Variant type: single nucleotide variant.
Coding change: c.321C>G on transcript NM_182641.4 (MANE Select); coding-DNA position 321, C replaced by G.
Protein change: p.Gly107=; no amino-acid change (glycine 107 retained).
Molecular consequence: synonymous variant.
Genome position (GRCh38, 1-based): chr17:67,826,045, C>G. VCF-style: chr17-67826045-C-G. GRCh37 (hg19) VCF-style: chr17-65822161-C-G.
Other names: c.321C>G, p.Gly107= (NM_004459.7).
Identifiers: ClinVar variation 3067531 (VCV003067531.21), dbSNP rs1343674593, ClinGen allele CA501694200.